The following is an entry in ClinVar:

NM_000169.3(GLA):c.301G>A (p.Asp101Asn)

Genes: GLA (galactosidase alpha; minus strand), RPL36A-HNRNPH2 (RPL36A-HNRNPH2 readthrough; plus strand). Cytogenetic location: Xq22.1.
Variant type: single nucleotide variant.
Coding change: c.301G>A on transcript NM_000169.3 (MANE Select); coding-DNA position 301, G replaced by A.
Protein change: p.Asp101Asn; replaces aspartic acid 101 with asparagine.
Molecular consequence: missense variant. On other transcripts: non-coding transcript variant (3), intron variant (2).
Genome position (GRCh38, 1-based): chrX:101,403,879, C>T on the plus strand (G>A on the coding strand, the complement: GLA is on the minus strand). VCF-style: chrX-101403879-C-T. GRCh37 (hg19) VCF-style: chrX-100658867-C-T.
Other names: c.424G>A, p.Asp142Asn (NM_001406747.1, NM_001406749.1); c.301G>A, p.Asp101Asn (NM_001406748.1); c.301-8057C>T (NM_001199973.2); c.178-8057C>T (NM_001199974.2); short protein forms D101N, D142N.
Identifiers: ClinVar variation 2138669 (VCV002138669.7), dbSNP rs2520913336, ClinGen allele CA413933458.

ClinVar aggregate classification (germline): Uncertain significance. Review status: criteria provided, multiple submitters, no conflicts (2 of 4 stars). 3 submissions from 3 submitters: Uncertain significance (3). Last evaluated 2026-09-08.

Conditions:
Fabry disease. Also called: Fabry's disease; ALPHA-GALACTOSIDASE A DEFICIENCY; ANDERSON-FABRY DISEASE; CERAMIDE TRIHEXOSIDASE DEFICIENCY; Ceramide trihexosidosis; Angiokeratoma corporis diffusum. Identifiers: Orphanet 324, MedGen C0002986, MONDO:0010526, OMIM 301500, HP:0001071. Disease mechanism: loss of function, Fabry disease is due to inactivating mutations in the X-linked GLA gene resulting in deficiency of the enzyme Alpha Galactosidase-A..

Allele frequency attached by ClinVar (database versions not stated): gnomAD exomes below 0.00001.
gnomAD v4.1: 2 of 1,211,297 alleles (0.00017%); highest among the groups gnomAD compares: Non-Finnish European, 0.00022%; no homozygotes.

Submissions (3):

Genomenon, Inc
Classification: Uncertain significance for Fabry disease. Last evaluated: 2026-09-08. Review status: criteria provided, single submitter. Criteria: Genomenon Sequence Variant Interpretation Standards - Updated. Collection method: curation. Allele origin: germline. Affected: no.
Comment: GLA p.Asp101Asn (c.301G>A) is a missense variant that changes the amino acid at codon 101 from Aspartic acid to Asparagine. This variant has been reported in the published literature (PMID:29247119). It is absent or not present at a significant frequency in gnomAD. In conclusion, we classify GLA p.Asp101Asn (c.301G>A) as a variant of uncertain significance.

Myriad Genetics, Inc.
Classification: Uncertain significance for Fabry disease. Last evaluated: 2025-11-17. Review status: criteria provided, single submitter. Criteria: Myriad Autosomal Dominant, Autosomal Recessive and X-Linked Classification Criteria (2023). Collection method: clinical testing. Allele origin: unknown.
Comment: NM_000169.2(GLA):c.301G>A(D101N) is a missense variant classified as a variant of uncertain significance in the context of Fabry disease. D101N has not been observed in cases with relevant disease. Relevant functional assessments of this variant are not available in the literature. D101N has not been observed in referenced population frequency databases. In summary, there is insufficient evidence to classify NM_000169.2(GLA):c.301G>A(D101N) as pathogenic or benign. Please note: this variant was assessed in the context of healthy population screening.

Labcorp Genetics (formerly Invitae), Labcorp
Classification: Uncertain significance for Fabry disease. Last evaluated: 2024-09-21. Review status: criteria provided, single submitter. Criteria: Invitae Variant Classification Sherloc (09022015). Collection method: clinical testing. Allele origin: germline.
Comment: This sequence change replaces aspartic acid, which is acidic and polar, with asparagine, which is neutral and polar, at codon 101 of the GLA protein (p.Asp101Asn). This variant is not present in population databases (gnomAD no frequency). This missense change has been observed in individual(s) with sudden unexplained death (PMID: 29247119). ClinVar contains an entry for this variant (Variation ID: 2138669). Invitae Evidence Modeling of protein sequence and biophysical properties (such as structural, functional, and spatial information, amino acid conservation, physicochemical variation, residue mobility, and thermodynamic stability) indicates that this missense variant is not expected to disrupt GLA protein function with a negative predictive value of 80%. In summary, the available evidence is currently insufficient to determine the role of this variant in disease. Therefore, it has been classified as a Variant of Uncertain Significance.

Literature cited by the submitters: PubMed 29247119 (cited by Genomenon, Inc and Labcorp Genetics (formerly Invitae), Labcorp).